The following is an entry in ClinVar:

NM_001182.5(ALDH7A1):c.1553G>A (p.Arg518Lys)

Gene: ALDH7A1 (aldehyde dehydrogenase 7 family member A1; minus strand). Cytogenetic location: 5q23.2.
Variant type: single nucleotide variant.
Coding change: c.1553G>A on transcript NM_001182.5 (MANE Select); coding-DNA position 1553, G replaced by A.
Protein change: p.Arg518Lys; replaces arginine 518 with lysine.
Molecular consequence: missense variant.
Genome position (GRCh38, 1-based): chr5:126,546,336, C>T on the plus strand (G>A on the coding strand, the complement: ALDH7A1 is on the minus strand). VCF-style: chr5-126546336-C-T. GRCh37 (hg19) VCF-style: chr5-125882028-C-T.
Other names: c.1469G>A, p.Arg490Lys (NM_001201377.2); c.1361G>A, p.Arg454Lys (NM_001202404.2); short protein forms R490K, R518K, R454K.
Identifiers: ClinVar variation 2166653 (VCV002166653.2), dbSNP rs749231711, ClinGen allele CA3389372.

ClinVar aggregate classification (germline): Uncertain significance. Review status: criteria provided, multiple submitters, no conflicts (2 of 4 stars). 2 submissions from 2 submitters: Uncertain significance (2). Last evaluated 2025-05-16.

Conditions:
Pyridoxine-dependent epilepsy (EPEO4). Also called: Pyridoxine-Dependent Seizures; Pyridoxine-Dependent Epilepsy - ALDH7A1; PYRIDOXINE DEPENDENCY WITH SEIZURES; EPILEPSY, EARLY-ONSET, 4, VITAMIN B6-DEPENDENT. Identifiers: Orphanet 3006, MedGen C1849508, MONDO:0009945, OMIM 266100. Disease mechanism: loss of function.

Submissions (2):

Women's Health and Genetics/Laboratory Corporation of America, LabCorp
Classification: Uncertain significance. Last evaluated: 2025-05-16. Review status: criteria provided, single submitter. Criteria: LabCorp Variant Classification Summary - May 2015. Collection method: clinical testing. Allele origin: germline.
Comment: Variant summary: ALDH7A1 c.1553G>A (p.Arg518Lys) results in a conservative amino acid change in the encoded protein sequence. Algorithms developed to predict the effect of missense changes on protein structure and function are either unavailable or do not agree on the potential impact of this missense change. The variant allele was found at a frequency of 8e-06 in 251424 control chromosomes (gnomAD). The available data on variant occurrences in the general population are insufficient to allow any conclusion about variant significance. To our knowledge, no occurrence of c.1553G>A in individuals affected with Pyridoxine-Dependent Epilepsy and no experimental evidence demonstrating its impact on protein function have been reported. A different variant affecting the same codon has been classified as likely pathogenic by our lab (c.1553G>C, p.Arg518Thr). ClinVar contains an entry for this variant (Variation ID: 2166653). Based on the evidence outlined above, the variant was classified as uncertain significance.

Labcorp Genetics (formerly Invitae), Labcorp
Classification: Uncertain significance for Pyridoxine-dependent epilepsy. Last evaluated: 2022-07-27. Review status: criteria provided, single submitter. Criteria: Invitae Variant Classification Sherloc (09022015). Collection method: clinical testing. Allele origin: germline.
Comment: This sequence change replaces arginine, which is basic and polar, with lysine, which is basic and polar, at codon 518 of the ALDH7A1 protein (p.Arg518Lys). This variant is present in population databases (rs749231711, gnomAD 0.002%). This variant has not been reported in the literature in individuals affected with ALDH7A1-related conditions. Algorithms developed to predict the effect of missense changes on protein structure and function are either unavailable or do not agree on the potential impact of this missense change (SIFT: "Tolerated"; PolyPhen-2: "Possibly Damaging"; Align-GVGD: "Class C0"). In summary, the available evidence is currently insufficient to determine the role of this variant in disease. Therefore, it has been classified as a Variant of Uncertain Significance.